The following is an entry in ClinVar:

NM_001195518.2(MICU1):c.758A>T (p.Gln253Leu)

Gene: MICU1 (mitochondrial calcium uptake 1; minus strand). Cytogenetic location: 10q22.1.
Variant type: single nucleotide variant.
Coding change: c.758A>T on transcript NM_001195518.2 (MANE Select); coding-DNA position 758, A replaced by T.
Protein change: p.Gln253Leu; replaces glutamine 253 with leucine.
Molecular consequence: missense variant.
Genome position (GRCh38, 1-based): chr10:72,475,275, T>A on the plus strand (A>T on the coding strand, the complement: MICU1 is on the minus strand). VCF-style: chr10-72475275-T-A. GRCh37 (hg19) VCF-style: chr10-74235033-T-A.
Other names: c.764A>T (NM_006077.3); c.164A>T, p.Gln55Leu (NM_001195519.2); c.776A>T, p.Gln259Leu (NM_001363513.2); c.764A>T, p.Gln255Leu (NM_006077.4); short protein forms Q55L, Q259L, Q253L, Q255L.
Identifiers: ClinVar variation 1372903 (VCV001372903.5), dbSNP rs201315824, ClinGen allele CA5550155.

ClinVar aggregate classification (germline): Uncertain significance. Review status: criteria provided, multiple submitters, no conflicts (2 of 4 stars). 2 submissions from 2 submitters: Uncertain significance (2). Last evaluated 2025-12-08.

Allele frequency attached by ClinVar (database versions not stated): gnomAD exomes 0.00002 and 0.00008; ExAC 0.00020; gnomAD 0.00029 and 0.00030; TOPMed 0.00031; ESP Exome Variant Server 0.00041; 1000 Genomes Project 30x 0.00094; 1000 Genomes Project 0.00100.
gnomAD v4.1: 71 of 1,606,214 alleles (0.0044%); highest among the groups gnomAD compares: African/African-American, 0.092%; no homozygotes.

Submissions (2):

Labcorp Genetics (formerly Invitae), Labcorp
Classification: Uncertain significance. Last evaluated: 2025-12-08. Review status: criteria provided, single submitter. Criteria: Invitae Variant Classification Sherloc (09022015). Collection method: clinical testing. Allele origin: germline.
Comment: This sequence change replaces glutamine, which is neutral and polar, with leucine, which is neutral and non-polar, at codon 255 of the MICU1 protein (p.Gln255Leu). This variant is present in population databases (rs201315824, gnomAD 0.1%). This variant has not been reported in the literature in individuals affected with MICU1-related conditions. ClinVar contains an entry for this variant (Variation ID: 1372903). Invitae Evidence Modeling of protein sequence and biophysical properties (such as structural, functional, and spatial information, amino acid conservation, physicochemical variation, residue mobility, and thermodynamic stability) indicates that this missense variant is not expected to disrupt MICU1 protein function with a negative predictive value of 80%. In summary, the available evidence is currently insufficient to determine the role of this variant in disease. Therefore, it has been classified as a Variant of Uncertain Significance.

GeneDx
Classification: Uncertain significance. Last evaluated: 2025-01-13. Review status: criteria provided, single submitter. Criteria: GeneDx Variant Classification Process June 2021. Collection method: clinical testing. Allele origin: germline. Affected: yes.
Comment: Reported previously as a variant of uncertain significance in a patient with recurrent springtime rhabdomyolysis with prodromal urticaria (Belzer. (2024) Annals of Allergy, Asthma & Immunology. 133 (6):S135); In silico analysis supports that this missense variant has a deleterious effect on protein structure/function; This variant is associated with the following publications: (PMID: Belzer2024[abstract])